The following is an entry in ClinVar:

ClinVar aggregate classification (germline): Conflicting classifications of pathogenicity. Review status: criteria provided, conflicting classifications (1 of 4 stars). 2 submissions from 2 submitters: Pathogenic (1); Uncertain significance (1). Last evaluated 2022-12-31.

Conditions:
Neutropenia, severe congenital, 1, autosomal dominant. Identifiers: MedGen C1859966, MONDO:0042490, OMIM 202700.
Cyclical neutropenia. Also called: Cyclic Neutropenia; Cyclic hematopoiesis. Identifiers: Orphanet 2686, MedGen C0221023, MONDO:0008090, OMIM 162800, HP:0040289. Disease mechanism: loss of function.

Submissions (2):

Labcorp Genetics (formerly Invitae), Labcorp
Classification: Pathogenic for Neutropenia, severe congenital, 1, autosomal dominant; Cyclical neutropenia. Last evaluated: 2022-12-31. Review status: criteria provided, single submitter. Criteria: Invitae Variant Classification Sherloc (09022015). Collection method: clinical testing. Allele origin: germline.
Comment: For these reasons, this variant has been classified as Pathogenic. This variant disrupts the p.Ser126 amino acid residue in ELANE. Other variant(s) that disrupt this residue have been determined to be pathogenic (PMID: 11001877, 14962902, 16079102, 18611981, 22758217, 23463630; Invitae). This suggests that this residue is clinically significant, and that variants that disrupt this residue are likely to be disease-causing. Advanced modeling of protein sequence and biophysical properties (such as structural, functional, and spatial information, amino acid conservation, physicochemical variation, residue mobility, and thermodynamic stability) performed at Invitae indicates that this missense variant is not expected to disrupt ELANE protein function. ClinVar contains an entry for this variant (Variation ID: 1452300). This variant is also known as S97W. This missense change has been observed in individuals with severe congenital or cyclic neutropenia (PMID: 19775295, 25427142; Invitae). This variant is not present in population databases (gnomAD no frequency). This sequence change replaces serine, which is neutral and polar, with tryptophan, which is neutral and slightly polar, at codon 126 of the ELANE protein (p.Ser126Trp).

Mayo Clinic Laboratories, Mayo Clinic
Classification: Uncertain significance. Last evaluated: 2022-09-14. Review status: criteria provided, single submitter. Criteria: ACMG Guidelines, 2015. Collection method: clinical testing. Allele origin: germline. Observed: 1 variant allele.
Comment: PM2_supporting, PM5

Literature cited by the submitters: PubMed 11001877 (cited by Labcorp Genetics (formerly Invitae), Labcorp); PubMed 14962902 (cited by Labcorp Genetics (formerly Invitae), Labcorp); PubMed 16079102 (cited by Labcorp Genetics (formerly Invitae), Labcorp); PubMed 18611981 (cited by Labcorp Genetics (formerly Invitae), Labcorp); PubMed 22758217 (cited by Labcorp Genetics (formerly Invitae), Labcorp); PubMed 23463630 (cited by Labcorp Genetics (formerly Invitae), Labcorp and Mayo Clinic Laboratories, Mayo Clinic); PubMed 19775295 (cited by Labcorp Genetics (formerly Invitae), Labcorp and Mayo Clinic Laboratories, Mayo Clinic); PubMed 25427142 (cited by Labcorp Genetics (formerly Invitae), Labcorp).

NM_001972.4(ELANE):c.377C>G (p.Ser126Trp)

Gene: ELANE (elastase, neutrophil expressed; plus strand). Cytogenetic location: 19p13.3.
Variant type: single nucleotide variant.
Coding change: c.377C>G on transcript NM_001972.4 (MANE Select); coding-DNA position 377, C replaced by G.
Protein change: p.Ser126Trp; replaces serine 126 with tryptophan.
Molecular consequence: missense variant.
Genome position (GRCh38, 1-based): chr19:855,574, C>G. VCF-style: chr19-855574-C-G. GRCh37 (hg19) VCF-style: chr19-855574-C-G.
Other names: p.Ser126Trp; c.377C>G (NM_001972.3); short protein forms S126W.
Identifiers: ClinVar variation 1452300 (VCV001452300.9), dbSNP rs137854450, ClinGen allele CA402917752.